The following is an entry in ClinVar:

ClinVar aggregate classification (germline): Likely benign (1 of 4 stars; one submission).

Allele frequency attached by ClinVar (database versions not stated): gnomAD 0.00457 and 0.00494; TOPMed 0.00519; 1000 Genomes Project 30x 0.00390; 1000 Genomes Project 0.00399.
gnomAD v4.1: 685 of 151,996 alleles (0.45%); highest among the groups gnomAD compares: African/African-American, 1.6%; 6 homozygotes.

Submission:

GeneDx
Classification: Likely benign. Last evaluated: 2018-06-14. Review status: criteria provided, single submitter. Criteria: GeneDx Variant Classification (06012015). Collection method: clinical testing. Allele origin: germline. Affected: yes.
Comment: This variant is considered likely benign or benign based on one or more of the following criteria: it is a conservative change, it occurs at a poorly conserved position in the protein, it is predicted to be benign by multiple in silico algorithms, and/or has population frequency not consistent with disease.

NM_001042492.3(NF1):c.7615+271C>T

Gene: NF1 (neurofibromin 1; plus strand). Cytogenetic location: 17q11.2.
Variant type: single nucleotide variant.
Coding change: c.7615+271C>T on transcript NM_001042492.3 (MANE Select); 271 bases into the intron after coding-DNA position 7615, C replaced by T.
Molecular consequence: intron variant.
Genome position (GRCh38, 1-based): chr17:31,352,685, C>T. VCF-style: chr17-31352685-C-T. GRCh37 (hg19) VCF-style: chr17-29679703-C-T.
Other names: c.7552+271C>T (NM_000267.4).
Identifiers: ClinVar variation 561915 (VCV000561915.1), dbSNP rs149020953, ClinGen allele CA289404124.